The following is an entry in ClinVar:

ClinVar aggregate classification (germline): Uncertain significance (1 of 4 stars; one submission).

Submission:

Kariminejad - Najmabadi Pathology & Genetics Center
Classification: Uncertain significance. Last evaluated: 2022-05-21. Review status: criteria provided, single submitter. Criteria: ACMG Guidelines, 2015. Collection method: clinical testing. Allele origin: germline. Inheritance: Autosomal recessive inheritance. Affected: yes.
Comment: PM2

NM_015378.4(VPS13D):c.9432-3T>A

Gene: VPS13D (vacuolar protein sorting 13 homolog D; plus strand). Cytogenetic location: 1p36.22.
Variant type: single nucleotide variant.
Coding change: c.9432-3T>A on transcript NM_015378.4 (MANE Select); 3 bases into the intron before coding-DNA position 9432, T replaced by A.
Molecular consequence: intron variant.
Genome position (GRCh38, 1-based): chr1:12,353,971, T>A. VCF-style: chr1-12353971-T-A. GRCh37 (hg19) VCF-style: chr1-12414028-T-A.
Other names: c.9357-3T>A (NM_018156.4).
Identifiers: ClinVar variation 3897057 (VCV003897057.1).